The following is an entry in ClinVar:

ClinVar aggregate classification (germline): Uncertain significance. Review status: criteria provided, multiple submitters, no conflicts (2 of 4 stars). 2 submissions from 2 submitters: Uncertain significance (2). Last evaluated 2022-04-04.

Allele frequency attached by ClinVar (database versions not stated): gnomAD exomes below 0.00001.
gnomAD v4.1: 9 of 1,606,682 alleles (0.00056%); highest among the groups gnomAD compares: Non-Finnish European, 0.00043%; no homozygotes.

Submissions (2):

Labcorp Genetics (formerly Invitae), Labcorp
Classification: Uncertain significance. Last evaluated: 2022-04-04. Review status: criteria provided, single submitter. Criteria: Invitae Variant Classification Sherloc (09022015). Collection method: clinical testing. Allele origin: germline.
Comment: This variant has not been reported in the literature in individuals affected with IFT57-related conditions. This sequence change falls in intron 8 of the IFT57 gene. It does not directly change the encoded amino acid sequence of the IFT57 protein. It affects a nucleotide within the consensus splice site. This variant is not present in population databases (gnomAD no frequency). Variants that disrupt the consensus splice site are a relatively common cause of aberrant splicing (PMID: 17576681, 9536098). Algorithms developed to predict the effect of sequence changes on RNA splicing suggest that this variant may disrupt the consensus splice site. In summary, the available evidence is currently insufficient to determine the role of this variant in disease. Therefore, it has been classified as a Variant of Uncertain Significance.

Blueprint Genetics
Classification: Uncertain significance. Last evaluated: 2021-06-11. Review status: criteria provided, single submitter. Criteria: ACMG Guidelines, 2015. Collection method: clinical testing. Allele origin: germline.

Literature cited by the submitters: PubMed 17576681 (cited by Labcorp Genetics (formerly Invitae), Labcorp); PubMed 9536098 (cited by Labcorp Genetics (formerly Invitae), Labcorp).

NM_018010.4(IFT57):c.981+4A>G

Gene: IFT57 (intraflagellar transport 57; minus strand). Cytogenetic location: 3q13.12.
Variant type: single nucleotide variant.
Coding change: c.981+4A>G on transcript NM_018010.4 (MANE Select); 4 bases into the intron after coding-DNA position 981, A replaced by G.
Molecular consequence: intron variant.
Genome position (GRCh38, 1-based): chr3:108,166,850, T>C on the plus strand (A>G on the coding strand, the complement: IFT57 is on the minus strand). VCF-style: chr3-108166850-T-C. GRCh37 (hg19) VCF-style: chr3-107885697-T-C.
Identifiers: ClinVar variation 2104576 (VCV002104576.5), dbSNP rs2472457509, ClinGen allele CA2580068566.